The following is an entry in ClinVar:

NM_015338.6(ASXL1):c.3691T>G (p.Ser1231Ala)

Gene: ASXL1 (ASXL transcriptional regulator 1; plus strand). Cytogenetic location: 20q11.21.
Variant type: single nucleotide variant.
Coding change: c.3691T>G on transcript NM_015338.6 (MANE Select); coding-DNA position 3691, T replaced by G.
Protein change: p.Ser1231Ala; replaces serine 1231 with alanine.
Molecular consequence: missense variant.
Genome position (GRCh38, 1-based): chr20:32,436,403, T>G. VCF-style: chr20-32436403-T-G. GRCh37 (hg19) VCF-style: chr20-31024206-T-G.
Other names: c.3508T>G, p.Ser1170Ala (NM_001363734.1); short protein forms S1170A, S1231A.
Identifiers: ClinVar variation 3956297 (VCV003956297.1).

ClinVar aggregate classification (germline): Uncertain significance (1 of 4 stars; one submission).

Conditions:
Inborn genetic diseases. Identifiers: MedGen C0950123, MeSH D030342.

Submission:

Ambry Genetics
Classification: Uncertain significance for Inborn genetic diseases. Last evaluated: 2025-04-19. Review status: criteria provided, single submitter. Criteria: Ambry Variant Classification Scheme 2023. Collection method: clinical testing. Allele origin: germline.
Comment: The p.S1231A variant (also known as c.3691T>G), located in coding exon 13 of the ASXL1 gene, results from a T to G substitution at nucleotide position 3691. The serine at codon 1231 is replaced by alanine, an amino acid with similar properties. This amino acid position is conserved. In addition, this alteration is predicted to be tolerated by in silico analysis. Based on the available evidence, the clinical significance of this variant remains unclear.